The following is an entry in ClinVar:

ClinVar aggregate classification (germline): Benign/Likely benign. Review status: criteria provided, multiple submitters, no conflicts (2 of 4 stars). 4 submissions from 4 submitters: Benign (2); Likely benign (2). Last evaluated 2026-08-01.

Allele frequency attached by ClinVar (database versions not stated): 1000 Genomes Project 0.00020; 1000 Genomes Project 30x 0.00031; gnomAD 0.00141 and 0.00148; ESP Exome Variant Server 0.00146; TOPMed 0.00150; gnomAD exomes 0.00181 and 0.00213; ExAC 0.00201.
gnomAD v4.1: 2,862 of 1,614,072 alleles (0.18%); highest among the groups gnomAD compares: Non-Finnish European, 0.16%; 10 homozygotes.

Submissions (4):

CeGaT Center for Human Genetics Tuebingen
Classification: Likely benign. Last evaluated: 2026-08-01. Review status: criteria provided, single submitter. Criteria: CeGaT Center For Human Genetics Tuebingen Variant Classification Criteria Version 2. Collection method: clinical testing. Allele origin: germline. Affected: yes. Observed: 1 variant allele.
Comment: LAMA1: BP4, BS2

Labcorp Genetics (formerly Invitae), Labcorp
Classification: Benign. Last evaluated: 2026-01-23. Review status: criteria provided, single submitter. Criteria: Invitae Variant Classification Sherloc (09022015). Collection method: clinical testing. Allele origin: germline.

Blueprint Genetics
Classification: Likely benign. Last evaluated: 2024-11-27. Review status: criteria provided, single submitter. Criteria: ACMG Guidelines, 2015. Collection method: clinical testing. Allele origin: germline.

Mayo Clinic Laboratories, Mayo Clinic
Classification: Benign. Last evaluated: 2024-01-11. Review status: criteria provided, single submitter. Criteria: ACMG Guidelines, 2015. Collection method: clinical testing. Allele origin: germline. Observed: 4 variant alleles.
Comment: BA1, BS2, BP4

NM_005559.4(LAMA1):c.4540C>T (p.His1514Tyr)

Gene: LAMA1 (laminin subunit alpha 1; minus strand). Cytogenetic location: 18p11.31.
Variant type: single nucleotide variant.
Coding change: c.4540C>T on transcript NM_005559.4 (MANE Select); coding-DNA position 4540, C replaced by T.
Protein change: p.His1514Tyr; replaces histidine 1514 with tyrosine.
Molecular consequence: missense variant.
Genome position (GRCh38, 1-based): chr18:6,999,568, G>A on the plus strand (C>T on the coding strand, the complement: LAMA1 is on the minus strand). VCF-style: chr18-6999568-G-A. GRCh37 (hg19) VCF-style: chr18-6999567-G-A.
Other names: p.His1514Tyr; short protein forms H1514Y.
Identifiers: ClinVar variation 709794 (VCV000709794.12), dbSNP rs140577242, ClinGen allele CA8881890.